The following is an entry in ClinVar:

NM_000059.4(BRCA2):c.2738A>G (p.Asp913Gly)

Gene: BRCA2 (BRCA2 DNA repair associated; plus strand). Cytogenetic location: 13q13.1.
Variant type: single nucleotide variant.
Coding change: c.2738A>G on transcript NM_000059.4 (MANE Select); coding-DNA position 2738, A replaced by G.
Protein change: p.Asp913Gly; replaces aspartic acid 913 with glycine.
Molecular consequence: missense variant. On other transcripts: non-coding transcript variant (1), intron variant (2).
Genome position (GRCh38, 1-based): chr13:32,337,093, A>G. VCF-style: chr13-32337093-A-G. GRCh37 (hg19) VCF-style: chr13-32911230-A-G.
Other names: c.2738A>G, p.Asp913Gly (NM_001406719.1, NM_001406720.1); c.1909+3706A>G (NM_001406721.1); c.424+6063A>G (NM_001406722.1); short protein forms D913G.
Identifiers: ClinVar variation 2560941 (VCV002560941.2), dbSNP rs2548524577, ClinGen allele CA387773614.
Genomic context (GRCh38, chr13:32,337,093, plus strand): 5'-AAGTAGCTAATGAAAGGAATAATCTTGCTTTAGGAAATACTAAGGAACTTCATGAAACAG[A>G]CTTGACTTGTGTAAACGAACCCATTTTCAAGAACTCTACCATGGTTTTATATGGAGACAC-3'
Protein context (NP_000050.3, residues 903-923): LGNTKELHET[Asp913Gly]LTCVNEPIFK

ClinVar aggregate classification (germline): Uncertain significance (1 of 4 stars; one submission).

Conditions:
Hereditary cancer-predisposing syndrome. Also called: Neoplastic Syndromes, Hereditary; Hereditary Cancer Syndrome; Hereditary neoplastic syndrome; Tumor predisposition. Identifiers: Orphanet 140162, MedGen C0027672, MeSH D009386, MONDO:0015356.

Submission:

Ambry Genetics
Classification: Uncertain significance for Hereditary cancer-predisposing syndrome. Last evaluated: 2023-05-15. Review status: criteria provided, single submitter. Criteria: Ambry Variant Classification Scheme 2023. Collection method: clinical testing. Allele origin: germline.
Comment: The p.D913G variant (also known as c.2738A>G), located in coding exon 10 of the BRCA2 gene, results from an A to G substitution at nucleotide position 2738. The aspartic acid at codon 913 is replaced by glycine, an amino acid with similar properties. This amino acid position is conserved. In addition, the in silico prediction for this alteration is inconclusive. Since supporting evidence is limited at this time, the clinical significance of this alteration remains unclear.